The following is an entry in ClinVar:

ClinVar aggregate classification (germline): Uncertain significance (1 of 4 stars; one submission).

Allele frequency attached by ClinVar (database versions not stated): gnomAD exomes below 0.00001 and 0.00001; TOPMed below 0.00001.

Submission:

Labcorp Genetics (formerly Invitae), Labcorp
Classification: Uncertain significance. Last evaluated: 2021-12-15. Review status: criteria provided, single submitter. Criteria: Invitae Variant Classification Sherloc (09022015). Collection method: clinical testing. Allele origin: germline.
Comment: This sequence change replaces serine, which is neutral and polar, with glycine, which is neutral and non-polar, at codon 84 of the C17orf62 protein (p.Ser84Gly). This variant is present in population databases (no rsID available, gnomAD 0.0009%). This variant has not been reported in the literature in individuals affected with C17orf62-related conditions. Algorithms developed to predict the effect of missense changes on protein structure and function are either unavailable or do not agree on the potential impact of this missense change (SIFT: "Deleterious"; PolyPhen-2: "Benign"; Align-GVGD: "Class C0"). In summary, the available evidence is currently insufficient to determine the role of this variant in disease. Therefore, it has been classified as a Variant of Uncertain Significance.

NM_001033046.4(CYBC1):c.250A>G (p.Ser84Gly)

Gene: CYBC1 (cytochrome b-245 chaperone 1; minus strand). Cytogenetic location: 17q25.3.
Variant type: single nucleotide variant.
Coding change: c.250A>G on transcript NM_001033046.4 (MANE Select); coding-DNA position 250, A replaced by G.
Protein change: p.Ser84Gly; replaces serine 84 with glycine.
Molecular consequence: missense variant. On other transcripts: non-coding transcript variant (4).
Genome position (GRCh38, 1-based): chr17:82,445,912, T>C on the plus strand (A>G on the coding strand, the complement: CYBC1 is on the minus strand). VCF-style: chr17-82445912-T-C. GRCh37 (hg19) VCF-style: chr17-80403788-T-C.
Other names: c.250A>G, p.Ser84Gly (NM_001100407.3, NM_001193653.2, NM_001193654.2 and 2 more transcripts); c.208A>G, p.Ser70Gly (NM_001100408.3); short protein forms S70G, S84G.
Identifiers: ClinVar variation 1682718 (VCV001682718.3), dbSNP rs1461592381, ClinGen allele CA401608913.